The following is an entry in ClinVar:

ClinVar aggregate classification (germline): Benign/Likely benign. Review status: criteria provided, multiple submitters, no conflicts (2 of 4 stars). 3 submissions from 3 submitters: Benign (1); Likely benign (2). Last evaluated 2024-11-01.

Allele frequency attached by ClinVar (database versions not stated): gnomAD exomes 0.00078; ExAC 0.00097; 1000 Genomes Project 0.00180; 1000 Genomes Project 30x 0.00250; gnomAD 0.00316 and 0.00345; TOPMed 0.00323; ESP Exome Variant Server 0.00392.

Submissions (3):

CeGaT Center for Human Genetics Tuebingen
Classification: Likely benign. Last evaluated: 2024-11-01. Review status: criteria provided, single submitter. Criteria: CeGaT Center For Human Genetics Tuebingen Variant Classification Criteria Version 2. Collection method: clinical testing. Allele origin: germline. Affected: yes. Observed: 2 variant alleles.
Comment: HECW2: BP4, BP7, BS1

Blueprint Genetics
Classification: Likely benign. Last evaluated: 2024-09-13. Review status: criteria provided, single submitter. Criteria: ACMG Guidelines, 2015. Collection method: clinical testing. Allele origin: germline.

Labcorp Genetics (formerly Invitae), Labcorp
Classification: Benign. Last evaluated: 2019-01-05. Review status: criteria provided, single submitter. Criteria: Invitae Variant Classification Sherloc (09022015). Collection method: clinical testing. Allele origin: germline.

NM_001348768.2(HECW2):c.4617A>T (p.Thr1539=)

Gene: HECW2 (HECT, C2 and WW domain containing E3 ubiquitin protein ligase 2; minus strand). Cytogenetic location: 2q32.3.
Variant type: single nucleotide variant.
Coding change: c.4617A>T on transcript NM_001348768.2 (MANE Select); coding-DNA position 4617, A replaced by T.
Protein change: p.Thr1539=; no amino-acid change (threonine 1539 retained).
Molecular consequence: synonymous variant.
Genome position (GRCh38, 1-based): chr2:196,201,379, T>A on the plus strand (A>T on the coding strand, the complement: HECW2 is on the minus strand). VCF-style: chr2-196201379-T-A. GRCh37 (hg19) VCF-style: chr2-197066103-T-A.
Other names: c.3549A>T, p.Thr1183= (NM_001304840.3); c.4617A>T, p.Thr1539= (NM_020760.4).
Identifiers: ClinVar variation 720294 (VCV000720294.28), dbSNP rs113224632, ClinGen allele CA2037458.